The following is an entry in ClinVar:

ClinVar aggregate classification (germline): Uncertain significance (1 of 4 stars; one submission).

Conditions:
UDPglucose-4-epimerase deficiency. Also called: UDP-GALACTOSE-4-EPIMERASE DEFICIENCY; Galactose epimerase deficiency; GALACTOSEMIA III; GALE DEFICIENCY; Epimerase Deficiency Galactosemia; UDPglucose 4-Epimerase Deficiency Disease. Identifiers: Orphanet 352, Orphanet 79238, MedGen C0751161, MONDO:0009257, OMIM 230350.

Submission:

Labcorp Genetics (formerly Invitae), Labcorp
Classification: Uncertain significance for UDPglucose-4-epimerase deficiency. Last evaluated: 2022-02-17. Review status: criteria provided, single submitter. Criteria: Invitae Variant Classification Sherloc (09022015). Collection method: clinical testing. Allele origin: germline.
Comment: ClinVar contains an entry for this variant (Variation ID: 1014514). This sequence change replaces cysteine, which is neutral and slightly polar, with tyrosine, which is neutral and polar, at codon 330 of the GALE protein (p.Cys330Tyr). This variant is present in population databases (no rsID available, gnomAD 0.003%). This variant has not been reported in the literature in individuals affected with GALE-related conditions. Algorithms developed to predict the effect of missense changes on protein structure and function are either unavailable or do not agree on the potential impact of this missense change (SIFT: "Deleterious"; PolyPhen-2: "Probably Damaging"; Align-GVGD: "Class C0"). In summary, the available evidence is currently insufficient to determine the role of this variant in disease. Therefore, it has been classified as a Variant of Uncertain Significance.

NM_001008216.2(GALE):c.989G>A (p.Cys330Tyr)

Gene: GALE (UDP-galactose-4-epimerase; minus strand). Cytogenetic location: 1p36.11.
Variant type: single nucleotide variant.
Coding change: c.989G>A on transcript NM_001008216.2 (MANE Select); coding-DNA position 989, G replaced by A.
Protein change: p.Cys330Tyr; replaces cysteine 330 with tyrosine.
Molecular consequence: missense variant.
Genome position (GRCh38, 1-based): chr1:23,796,007, C>T on the plus strand (G>A on the coding strand, the complement: GALE is on the minus strand). VCF-style: chr1-23796007-C-T. GRCh37 (hg19) VCF-style: chr1-24122497-C-T.
Other names: c.989G>A, p.Cys330Tyr (NM_000403.4, NM_001127621.2); short protein forms C330Y.
Identifiers: ClinVar variation 1014514 (VCV001014514.9), dbSNP rs768527360, ClinGen allele CA339005494.